The following is an entry in ClinVar:

NM_005585.5(SMAD6):c.598_612dup (p.Gly204_Cys205insGlyValProGlyGly)

Gene: SMAD6 (SMAD family member 6; plus strand). Cytogenetic location: 15q22.31.
Variant type: Duplication.
Coding change: c.598_612dup on transcript NM_005585.5 (MANE Select); coding-DNA positions 598 to 612, 15 bases duplicated (GGCGTGCCGGGCGGC).
Protein change: p.Gly204_Cys205insGlyValProGlyGly.
Molecular consequence: non-coding transcript variant (on NR_027654.2).
Genome position (GRCh38, 1-based): chr15:66,703,856-66,703,870, GGCGTGCCGGGCGGC duplicated; duplicating any 15 consecutive bases within chr15:66,703,851-66,703,870 gives the same sequence; the c. name uses the placement nearest the transcript's 3' end. VCF-style (leftmost placement, unchanged base first): chr15-66703850-C-CGCGGCGGCGTGCCGG. GRCh37 (hg19) VCF-style: chr15-66996188-C-CGCGGCGGCGTGCCGG.
Identifiers: ClinVar variation 3714943 (VCV003714943.2).

ClinVar aggregate classification (germline): Uncertain significance (1 of 4 stars; one submission).

Conditions:
Aortic valve disease 2 (AOVD2). Identifiers: MedGen C3542024, MONDO:0013902, OMIM 614823.

Submission:

Labcorp Genetics (formerly Invitae), Labcorp
Classification: Uncertain significance for Aortic valve disease 2. Last evaluated: 2025-01-26. Review status: criteria provided, single submitter. Criteria: Invitae Variant Classification Sherloc (09022015). Collection method: clinical testing. Allele origin: germline.
Comment: This variant, c.598_612dup, results in the insertion of 5 amino acid(s) of the SMAD6 protein (p.Gly200_Gly204dup), but otherwise preserves the integrity of the reading frame. This variant is not present in population databases (gnomAD no frequency). This variant has not been reported in the literature in individuals affected with SMAD6-related conditions. In summary, the available evidence is currently insufficient to determine the role of this variant in disease. Therefore, it has been classified as a Variant of Uncertain Significance.